The following is an entry in ClinVar:

NM_001360016.2(G6PD):c.421G>A (p.Ala141Thr)

Gene: G6PD (glucose-6-phosphate dehydrogenase; minus strand). Cytogenetic location: Xq28.
Variant type: single nucleotide variant.
Coding change: c.421G>A on transcript NM_001360016.2 (MANE Select); coding-DNA position 421, G replaced by A.
Protein change: p.Ala141Thr; replaces alanine 141 with threonine.
Molecular consequence: missense variant.
Genome position (GRCh38, 1-based): chrX:154,535,232, C>T on the plus strand (G>A on the coding strand, the complement: G6PD is on the minus strand). VCF-style: chrX-154535232-C-T. GRCh37 (hg19) VCF-style: chrX-153763447-C-T.
Other names: c.511G>A, p.Ala171Thr (NM_000402.4); c.421G>A, p.Ala141Thr (NM_001042351.3); short protein forms A171T, A141T.
Identifiers: ClinVar variation 3656961 (VCV003656961.2).

ClinVar aggregate classification (germline): Uncertain significance (1 of 4 stars; one submission).

Conditions:
Anemia, nonspherocytic hemolytic, due to G6PD deficiency (CNSHA1). Also called: Class I glucose-6-phosphate dehydrogenase deficiency; Favism, susceptibility to; Hemolytic anemia due to G6PD deficiency; ANEMIA, CONGENITAL, NONSPHEROCYTIC HEMOLYTIC, 1. Identifiers: Orphanet 466026, MedGen C2720289, MONDO:0010480, OMIM 300908.

Submission:

Labcorp Genetics (formerly Invitae), Labcorp
Classification: Uncertain significance for Anemia, nonspherocytic hemolytic, due to G6PD deficiency. Last evaluated: 2024-06-19. Review status: criteria provided, single submitter. Criteria: Invitae Variant Classification Sherloc (09022015). Collection method: clinical testing. Allele origin: germline.
Comment: This sequence change replaces alanine, which is neutral and non-polar, with threonine, which is neutral and polar, at codon 141 of the G6PD protein (p.Ala141Thr). This variant is not present in population databases (gnomAD no frequency). This variant has not been reported in the literature in individuals affected with G6PD-related conditions. Advanced modeling of protein sequence and biophysical properties (such as structural, functional, and spatial information, amino acid conservation, physicochemical variation, residue mobility, and thermodynamic stability) performed at Invitae indicates that this missense variant is expected to disrupt G6PD protein function with a positive predictive value of 95%. In summary, the available evidence is currently insufficient to determine the role of this variant in disease. Therefore, it has been classified as a Variant of Uncertain Significance.